The following is an entry in ClinVar:

NM_000334.4(SCN4A):c.5C>T (p.Ala2Val)

Gene: SCN4A (sodium voltage-gated channel alpha subunit 4; minus strand). Cytogenetic location: 17q23.3.
Variant type: single nucleotide variant.
Coding change: c.5C>T on transcript NM_000334.4 (MANE Select); coding-DNA position 5, C replaced by T.
Protein change: p.Ala2Val; replaces alanine 2 with valine.
Molecular consequence: missense variant.
Genome position (GRCh38, 1-based): chr17:63,972,837, G>A on the plus strand (C>T on the coding strand, the complement: SCN4A is on the minus strand). VCF-style: chr17-63972837-G-A. GRCh37 (hg19) VCF-style: chr17-62050197-G-A.
Other names: short protein forms A2V.
Identifiers: ClinVar variation 1911334 (VCV001911334.6), dbSNP rs573062322, ClinGen allele CA8710310.
Genomic context (GRCh38, chr17:63,972,837, plus strand): 5'-CGGGTGAAGGGGCGCAAGCACTCAGGGCCCAGAGGCACCAGGGTGCACAGAGATGGTCTG[G>A]CCATCCTCGCATCCTGGGCTCAGAGACCAGAAGGGTGGTGGGTGGCCTGGGGAGCTGCAG-3'
Protein context (NP_000325.4, residues 1-12): M[Ala2Val]RPSLCTLVPL

ClinVar aggregate classification (germline): Uncertain significance. Review status: criteria provided, multiple submitters, no conflicts (2 of 4 stars). 2 submissions from 2 submitters: Uncertain significance (2). Last evaluated 2023-10-06.

Conditions:
Hyperkalemic periodic paralysis. Also called: Familial hyperkalemic periodic paralysis; Gamstorp disease. Identifiers: Orphanet 682, MedGen C0238357, MONDO:0008224, OMIM 170500, HP:0007215.
Inborn genetic diseases. Identifiers: MedGen C0950123, MeSH D030342.

Allele frequency attached by ClinVar (database versions not stated): gnomAD exomes 0.00001; gnomAD 0.00002; TOPMed 0.00002; 1000 Genomes Project 30x 0.00016; 1000 Genomes Project 0.00020; ExAC 0.00001.
gnomAD v4.1: 19 of 1,607,122 alleles (0.0012%); highest among the groups gnomAD compares: Non-Finnish European, 0.0014%; no homozygotes.

Submissions (2):

Labcorp Genetics (formerly Invitae), Labcorp
Classification: Uncertain significance for Hyperkalemic periodic paralysis. Last evaluated: 2023-10-06. Review status: criteria provided, single submitter. Criteria: Invitae Variant Classification Sherloc (09022015). Collection method: clinical testing. Allele origin: germline.
Comment: This sequence change replaces alanine, which is neutral and non-polar, with valine, which is neutral and non-polar, at codon 2 of the SCN4A protein (p.Ala2Val). This variant is present in population databases (rs573062322, gnomAD 0.004%). This variant has not been reported in the literature in individuals affected with SCN4A-related conditions. ClinVar contains an entry for this variant (Variation ID: 1911334). Advanced modeling of protein sequence and biophysical properties (such as structural, functional, and spatial information, amino acid conservation, physicochemical variation, residue mobility, and thermodynamic stability) has been performed at Invitae for this missense variant, however the output from this modeling did not meet the statistical confidence thresholds required to predict the impact of this variant on SCN4A protein function. In summary, the available evidence is currently insufficient to determine the role of this variant in disease. Therefore, it has been classified as a Variant of Uncertain Significance.

Ambry Genetics
Classification: Uncertain significance for Inborn genetic diseases. Last evaluated: 2022-07-13. Review status: criteria provided, single submitter. Criteria: Ambry Variant Classification Scheme 2023. Collection method: clinical testing. Allele origin: germline.